The following is an entry in ClinVar:

NM_003072.5(SMARCA4):c.3553C>T (p.Gln1185Ter)

Gene: SMARCA4 (SWI/SNF related BAF chromatin remodeling complex subunit ATPase 4; plus strand). Cytogenetic location: 19p13.2.
Variant type: single nucleotide variant.
Coding change: c.3553C>T on transcript NM_003072.5 (MANE Select); coding-DNA position 3553, C replaced by T.
Protein change: p.Gln1185Ter; replaces glutamine 1185 with a stop codon.
Molecular consequence: nonsense. On other transcripts: non-coding transcript variant (1).
Genome position (GRCh38, 1-based): chr19:11,033,296, C>T. VCF-style: chr19-11033296-C-T. GRCh37 (hg19) VCF-style: chr19-11143972-C-T.
Other names: c.3553C>T, p.Gln1185Ter (NM_001128844.3, NM_001128845.2, NM_001128846.2 and 6 more transcripts); short protein forms Q1185*.
Identifiers: ClinVar variation 4722129 (VCV004722129.1).

ClinVar aggregate classification (germline): Pathogenic (1 of 4 stars; one submission).

Conditions:
Rhabdoid tumor predisposition syndrome 2 (RTPS2). Identifiers: Orphanet 231108, Orphanet 69077, MedGen C2750074, MONDO:0013224, OMIM 613325.

Submission:

Labcorp Genetics (formerly Invitae), Labcorp
Classification: Pathogenic for Rhabdoid tumor predisposition syndrome 2. Last evaluated: 2025-06-25. Review status: criteria provided, single submitter. Criteria: Invitae Variant Classification Sherloc (09022015). Collection method: clinical testing. Allele origin: germline.
Comment: This sequence change creates a premature translational stop signal (p.Gln1185*) in the SMARCA4 gene. It is expected to result in an absent or disrupted protein product. Loss-of-function variants in SMARCA4 are known to be pathogenic (PMID: 24658001, 24658002). This variant is not present in population databases (gnomAD no frequency). This variant has not been reported in the literature in individuals affected with SMARCA4-related conditions. For these reasons, this variant has been classified as Pathogenic.

Literature cited by the submitters: PubMed 24658001; PubMed 24658002.